The following is an entry in ClinVar:

NM_033118.4(MYLK2):c.8C>T (p.Thr3Ile)

Gene: MYLK2 (myosin light chain kinase 2; plus strand). Cytogenetic location: 20q11.21.
Variant type: single nucleotide variant.
Coding change: c.8C>T on transcript NM_033118.4 (MANE Select); coding-DNA position 8, C replaced by T.
Protein change: p.Thr3Ile; replaces threonine 3 with isoleucine.
Molecular consequence: missense variant.
Genome position (GRCh38, 1-based): chr20:31,819,588, C>T. VCF-style: chr20-31819588-C-T. GRCh37 (hg19) VCF-style: chr20-30407391-C-T.
Other names: short protein forms T3I.
Identifiers: ClinVar variation 3228203 (VCV003228203.1), dbSNP rs2062241187, ClinGen allele CA408524720.

ClinVar aggregate classification (germline): Uncertain significance (1 of 4 stars; one submission).

gnomAD v4.1: 6 of 1,551,574 alleles (0.00039%); highest among the groups gnomAD compares: Non-Finnish European, 0.00052%; no homozygotes.

Submission:

Ambry Genetics
Classification: Uncertain significance. Last evaluated: 2024-01-29. Review status: criteria provided, single submitter. Criteria: Ambry Variant Classification Scheme 2023. Collection method: clinical testing. Allele origin: germline.
Comment: The p.T3I variant (also known as c.8C>T), located in coding exon 1 of the MYLK2 gene, results from a C to T substitution at nucleotide position 8. The threonine at codon 3 is replaced by isoleucine, an amino acid with similar properties. This amino acid position is conserved. In addition, this alteration is predicted to be tolerated by in silico analysis. Based on the available evidence, the clinical significance of this alteration remains unclear.